The following is an entry in ClinVar:

ClinVar aggregate classification (germline): Uncertain significance (1 of 4 stars; one submission).

Submission:

GeneDx
Classification: Uncertain significance. Last evaluated: 2026-01-22. Review status: criteria provided, single submitter. Criteria: GeneDx Variant Classification Process June 2021. Collection method: clinical testing. Allele origin: germline.
Comment: Not observed at significant frequency in large population cohorts (gnomAD); In silico analysis suggests that this missense variant does not alter protein structure/function; Has not been previously published as pathogenic or benign to our knowledge

NM_015570.4(AUTS2):c.3740G>A (p.Arg1247Lys)

Gene: AUTS2 (activator of transcription and developmental regulator AUTS2; plus strand). Cytogenetic location: 7q11.22.
Variant type: single nucleotide variant.
Coding change: c.3740G>A on transcript NM_015570.4 (MANE Select); coding-DNA position 3740, G replaced by A.
Protein change: p.Arg1247Lys; replaces arginine 1247 with lysine.
Molecular consequence: missense variant.
Genome position (GRCh38, 1-based): chr7:70,790,956, G>A. VCF-style: chr7-70790956-G-A. GRCh37 (hg19) VCF-style: chr7-70255942-G-A.
Other names: c.3668G>A, p.Arg1223Lys (NM_001127231.3); short protein forms R1223K, R1247K.
Identifiers: ClinVar variation 4975229 (VCV004975229.1).